The following is an entry in ClinVar:

ClinVar aggregate classification (germline): Uncertain significance (1 of 4 stars; one submission).

Conditions:
Metachromatic leukodystrophy (MLD). Also called: Arylsulfatase A Deficiency; SULFATIDE LIPIDOSIS; ARSA DEFICIENCY; CEREBROSIDE SULFATASE DEFICIENCY; Cerebral sclerosis diffuse metachromatic form; METACHROMATIC LEUKOENCEPHALOPATHY. Identifiers: Orphanet 512, MedGen C0023522, MONDO:0018868, OMIM 250100.

gnomAD v4.1: 1 of 1,614,034 alleles (0.000062%); highest among the groups gnomAD compares: Non-Finnish European, 0.000085%; no homozygotes.

Submission:

Labcorp Genetics (formerly Invitae), Labcorp
Classification: Uncertain significance for Metachromatic leukodystrophy. Last evaluated: 2021-09-17. Review status: criteria provided, single submitter. Criteria: Invitae Variant Classification Sherloc (09022015). Collection method: clinical testing. Allele origin: germline.
Comment: This sequence change replaces glutamic acid with glycine at codon 242 of the ARSA protein (p.Glu242Gly). The glutamic acid residue is weakly conserved and there is a moderate physicochemical difference between glutamic acid and glycine. This variant is not present in population databases (ExAC no frequency). This variant has not been reported in the literature in individuals with ARSA-related conditions. Algorithms developed to predict the effect of missense changes on protein structure and function output the following: SIFT: "Tolerated"; PolyPhen-2: "Benign"; Align-GVGD: "Class C0". The glycine amino acid residue is found in multiple mammalian species, suggesting that this missense change does not adversely affect protein function. These predictions have not been confirmed by published functional studies and their clinical significance is uncertain. In summary, the available evidence is currently insufficient to determine the role of this variant in disease. Therefore, it has been classified as a Variant of Uncertain Significance.

NM_000487.6(ARSA):c.725A>G (p.Glu242Gly)

Gene: ARSA (arylsulfatase A; minus strand). Cytogenetic location: 22q13.33.
Variant type: single nucleotide variant.
Coding change: c.725A>G on transcript NM_000487.6 (MANE Select); coding-DNA position 725, A replaced by G.
Protein change: p.Glu242Gly; replaces glutamic acid 242 with glycine.
Molecular consequence: missense variant.
Genome position (GRCh38, 1-based): chr22:50,626,720, T>C on the plus strand (A>G on the coding strand, the complement: ARSA is on the minus strand). VCF-style: chr22-50626720-T-C. GRCh37 (hg19) VCF-style: chr22-51065148-T-C.
Other names: c.725A>G, p.Glu242Gly (NM_001085425.3, NM_001085426.3, NM_001085427.3); c.467A>G, p.Glu156Gly (NM_001085428.3, NM_001362782.2); short protein forms E242G, E156G.
Identifiers: ClinVar variation 1385770 (VCV001385770.5), dbSNP rs1403824251, ClinGen allele CA412176541.